The following is an entry in ClinVar:

NM_001089.3(ABCA3):c.160G>A (p.Ala54Thr)

Gene: ABCA3 (ATP binding cassette subfamily A member 3; minus strand). Cytogenetic location: 16p13.3.
Variant type: single nucleotide variant.
Coding change: c.160G>A on transcript NM_001089.3 (MANE Select); coding-DNA position 160, G replaced by A.
Protein change: p.Ala54Thr; replaces alanine 54 with threonine.
Molecular consequence: missense variant.
Genome position (GRCh38, 1-based): chr16:2,326,169, C>T on the plus strand (G>A on the coding strand, the complement: ABCA3 is on the minus strand). VCF-style: chr16-2326169-C-T. GRCh37 (hg19) VCF-style: chr16-2376170-C-T.
Other names: short protein forms A54T.
Identifiers: ClinVar variation 318576 (VCV000318576.21), dbSNP rs147278907, ClinGen allele CA7841771.

ClinVar aggregate classification (germline): Conflicting classifications of pathogenicity. Review status: criteria provided, conflicting classifications (1 of 4 stars). 5 submissions from 5 submitters: Uncertain significance (3); Benign (1). 1 of the submissions does not count toward it. Last evaluated 2026-02-04.

Conditions:
ABCA3-related disorder. Also called: ABCA3-related condition.
Hereditary pulmonary alveolar proteinosis. Also called: Pulmonary surfactant metabolism dysfunction. Identifiers: Orphanet 264675, MedGen C3711368, MONDO:0012580.
Interstitial lung disease due to ABCA3 deficiency. Also called: PULMONARY ALVEOLAR PROTEINOSIS, CONGENITAL, 3. Identifiers: Orphanet 440402, MedGen C1970456, MONDO:0012582, OMIM 610921.

Allele frequency attached by ClinVar (database versions not stated): ESP Exome Variant Server 0.00038; 1000 Genomes Project 0.00040; gnomAD exomes 0.00045 and 0.00087; 1000 Genomes Project 30x 0.00047; ExAC 0.00055; gnomAD 0.00074 and 0.00075; TOPMed 0.00080.
gnomAD v4.1: 792 of 1,614,126 alleles (0.049%); highest among the groups gnomAD compares: Middle Eastern, 0.35%; 6 homozygotes.

Submissions (5):

Labcorp Genetics (formerly Invitae), Labcorp
Classification: Benign. Last evaluated: 2026-02-04. Review status: criteria provided, single submitter. Criteria: Invitae Variant Classification Sherloc (09022015). Collection method: clinical testing. Allele origin: germline.

GeneDx
Classification: Uncertain significance. Last evaluated: 2025-10-21. Review status: criteria provided, single submitter. Criteria: GeneDx Variant Classification Process June 2021. Collection method: clinical testing. Allele origin: germline. Affected: yes.
Comment: Identified in a patient with ABCA3 deficiency who also harbored a second variant in the ABCA3 gene (phase unknown) in published literature (PMID: 24871971); In silico analysis suggests that this missense variant does not alter protein structure/function; This variant is associated with the following publications: (PMID: 24871971)

Ambry Genetics
Classification: Uncertain significance for Hereditary pulmonary alveolar proteinosis. Last evaluated: 2019-01-02. Review status: criteria provided, single submitter. Criteria: Ambry Variant Classification Scheme 2023. Collection method: clinical testing. Allele origin: germline.
Comment: The p.A54T variant (also known as c.160G>A), located in coding exon 2 of the ABCA3 gene, results from a G to A substitution at nucleotide position 160. The alanine at codon 54 is replaced by threonine, an amino acid with similar properties. In one study, this variant was reported in one individual in conjunction with two additional alterations (Wambach JA et al. Am. J. Respir. Crit. Care Med., 2014 Jun;189:1538-43). This amino acid position is well conserved in available vertebrate species. In addition, this alteration is predicted to be tolerated by in silico analysis. Based on available evidence to date, the clinical significance of this alteration remains unclear.

Illumina Laboratory Services, Illumina
Classification: Uncertain significance for Interstitial lung disease due to ABCA3 deficiency. Last evaluated: 2018-01-12. Review status: criteria provided, single submitter. Criteria: ICSL Variant Classification Criteria 13 December 2019. Collection method: clinical testing. Allele origin: germline.

PreventionGenetics, part of Exact Sciences
Classification: Likely benign for ABCA3-related condition. Last evaluated: 2020-08-07. Review status: no assertion criteria provided. Collection method: clinical testing. Allele origin: germline. Not counted in ClinVar's aggregate classification.
Comment: This variant is classified as likely benign based on ACMG/AMP sequence variant interpretation guidelines (Richards et al. 2015 PMID: 25741868, with internal and published modifications).

Literature cited by the submitters: PubMed 24871971 (cited by Ambry Genetics).